The following is an entry in ClinVar:

ClinVar aggregate classification (germline): Uncertain significance (1 of 4 stars; one submission).

Conditions:
Epileptic encephalopathy. Identifiers: MedGen C0543888, HP:0200134.

Submission:

Labcorp Genetics (formerly Invitae), Labcorp
Classification: Uncertain significance for Epileptic encephalopathy. Last evaluated: 2024-10-23. Review status: criteria provided, single submitter. Criteria: Invitae Variant Classification Sherloc (09022015). Collection method: clinical testing. Allele origin: germline.
Comment: This sequence change replaces serine, which is neutral and polar, with phenylalanine, which is neutral and non-polar, at codon 58 of the FASN protein (p.Ser58Phe). This variant is not present in population databases (gnomAD no frequency). This variant has not been reported in the literature in individuals affected with FASN-related conditions. An algorithm developed to predict the effect of missense changes on protein structure and function (PolyPhen-2) suggests that this variant is likely to be disruptive. In summary, the available evidence is currently insufficient to determine the role of this variant in disease. Therefore, it has been classified as a Variant of Uncertain Significance.

NM_004104.5(FASN):c.173C>T (p.Ser58Phe)

Gene: FASN (fatty acid synthase; minus strand). Cytogenetic location: 17q25.3.
Variant type: single nucleotide variant.
Coding change: c.173C>T on transcript NM_004104.5 (MANE Select); coding-DNA position 173, C replaced by T.
Protein change: p.Ser58Phe; replaces serine 58 with phenylalanine.
Molecular consequence: missense variant.
Genome position (GRCh38, 1-based): chr17:82,095,427, G>A on the plus strand (C>T on the coding strand, the complement: FASN is on the minus strand). VCF-style: chr17-82095427-G-A. GRCh37 (hg19) VCF-style: chr17-80053303-G-A.
Other names: short protein forms S58F.
Identifiers: ClinVar variation 3722356 (VCV003722356.2).
Genomic context (GRCh38, chr17:82,095,427, plus strand): 5'-TGAGGGTCCATCGTGTGTGCCTGCTTGGGGTGGACTCCGAAGAAGGAGGCATCAAACCTA[G>A]ACAGGTCCTTCAGCTTGCCGGACCGCCGGGGCAGGCCGTAGAGCCCTGTGGGACAGGCGG-3'
Protein context (NP_004095.4, residues 48-68): PRRSGKLKDL[Ser58Phe]RFDASFFGVH